The following is an entry in ClinVar:

ClinVar aggregate classification (germline): Pathogenic/Likely pathogenic. Review status: criteria provided, multiple submitters, no conflicts (2 of 4 stars). 3 submissions from 3 submitters: Pathogenic (1); Likely pathogenic (2). Last evaluated 2025-12-24.

Conditions:
Hermansky-Pudlak syndrome 3 (HPS3). Identifiers: Orphanet 231512, Orphanet 79430, MedGen C3888001, MONDO:0013555, OMIM 614072.
Hermansky-Pudlak syndrome (HPS). Also called: ALBINISM WITH HEMORRHAGIC DIATHESIS AND PIGMENTED RETICULOENDOTHELIAL CELLS. Identifiers: Orphanet 79430, MedGen C0079504, MONDO:0019312.

Allele frequency attached by ClinVar (database versions not stated): gnomAD exomes below 0.00001.
gnomAD v4.1: 6 of 1,614,208 alleles (0.00037%); highest among the groups gnomAD compares: Non-Finnish European, 0.00051%; no homozygotes.

Submissions (3):

Labcorp Genetics (formerly Invitae), Labcorp
Classification: Pathogenic. Last evaluated: 2025-12-24. Review status: criteria provided, single submitter. Criteria: Invitae Variant Classification Sherloc (09022015). Collection method: clinical testing. Allele origin: germline.
Comment: This sequence change creates a premature translational stop signal (p.Ser462*) in the HPS3 gene. It is expected to result in an absent or disrupted protein product. Loss-of-function variants in HPS3 are known to be pathogenic (PMID: 11590544). This variant is present in population databases (no rsID available, gnomAD 0.0009%). This variant has not been reported in the literature in individuals affected with HPS3-related conditions. ClinVar contains an entry for this variant (Variation ID: 857848). Algorithms developed to predict the effect of sequence changes on RNA splicing suggest that this variant may disrupt the consensus splice site. For these reasons, this variant has been classified as Pathogenic.

Natera, Inc.
Classification: Likely pathogenic for Hermansky-Pudlak syndrome. Last evaluated: 2025-02-10. Review status: criteria provided, single submitter. Criteria: Natera Variant Classification Schema (03/2026). Collection method: clinical testing. Allele origin: germline.
Comment: The c.1385C>A variant in HPS3 is a nonsense variant predicted to introduce a stop codon at amino acid 462. This variant is expected to result in nonsense mediated decay, truncation, or a dysfunctional protein product. This variant is rare in the general population with a frequency below the threshold expected for the associated phenotype(s). Given the available evidence, this variant is classified as Likely Pathogenic.

Baylor Genetics
Classification: Likely pathogenic for Hermansky-Pudlak syndrome 3. Last evaluated: 2024-02-20. Review status: criteria provided, single submitter. Criteria: ACMG Guidelines, 2015. Collection method: clinical testing. Allele origin: unknown.

Literature cited by the submitters: PubMed 11590544 (cited by Labcorp Genetics (formerly Invitae), Labcorp).

NM_032383.5(HPS3):c.1385C>A (p.Ser462Ter)

Gene: HPS3 (HPS3 biogenesis of lysosomal organelles complex 2 subunit 1; plus strand). Cytogenetic location: 3q24.
Variant type: single nucleotide variant.
Coding change: c.1385C>A on transcript NM_032383.5 (MANE Select); coding-DNA position 1385, C replaced by A.
Protein change: p.Ser462Ter; replaces serine 462 with a stop codon.
Molecular consequence: nonsense.
Genome position (GRCh38, 1-based): chr3:149,153,633, C>A. VCF-style: chr3-149153633-C-A. GRCh37 (hg19) VCF-style: chr3-148871420-C-A.
Other names: c.890C>A, p.Ser297Ter (NM_001308258.2); short protein forms S297*, S462*.
Identifiers: ClinVar variation 857848 (VCV000857848.10), dbSNP rs1330496818, ClinGen allele CA354919317.